The following is an entry in ClinVar:

ClinVar aggregate classification (germline): Uncertain significance (1 of 4 stars; one submission).

Allele frequency attached by ClinVar (database versions not stated): TOPMed below 0.00001.
gnomAD v4.1: 2 of 1,611,012 alleles (0.00012%); highest among the groups gnomAD compares: Admixed American, 0.0033%; no homozygotes.

Submission:

Labcorp Genetics (formerly Invitae), Labcorp
Classification: Uncertain significance. Last evaluated: 2022-06-28. Review status: criteria provided, single submitter. Criteria: Invitae Variant Classification Sherloc (09022015). Collection method: clinical testing. Allele origin: germline.
Comment: This variant has not been reported in the literature in individuals affected with ADAMTSL4-related conditions. This variant is present in population databases (rs777396369, gnomAD 0.006%). This sequence change replaces aspartic acid, which is acidic and polar, with glycine, which is neutral and non-polar, at codon 701 of the ADAMTSL4 protein (p.Asp701Gly). Algorithms developed to predict the effect of missense changes on protein structure and function are either unavailable or do not agree on the potential impact of this missense change (SIFT: "Deleterious"; PolyPhen-2: "Benign"; Align-GVGD: "Class C65"). In summary, the available evidence is currently insufficient to determine the role of this variant in disease. Therefore, it has been classified as a Variant of Uncertain Significance.

NM_019032.6(ADAMTSL4):c.2102A>G (p.Asp701Gly)

Genes: ADAMTSL4 (ADAMTS like 4; plus strand), ADAMTSL4-AS2 (ADAMTSL4 antisense RNA 2; minus strand). Cytogenetic location: 1q21.2.
Variant type: single nucleotide variant.
Coding change: c.2102A>G on transcript NM_019032.6 (MANE Select); coding-DNA position 2102, A replaced by G.
Protein change: p.Asp701Gly; replaces aspartic acid 701 with glycine.
Molecular consequence: missense variant.
Genome position (GRCh38, 1-based): chr1:150,557,548, A>G. VCF-style: chr1-150557548-A-G. GRCh37 (hg19) VCF-style: chr1-150530024-A-G.
Other names: c.1985A>G, p.Asp662Gly (NM_001288607.2); c.2171A>G, p.Asp724Gly (NM_001288608.2); c.2102A>G, p.Asp701Gly (NM_001378596.1, NM_025008.5); short protein forms D724G, D701G, D662G.
Identifiers: ClinVar variation 1497492 (VCV001497492.6), dbSNP rs777396369, ClinGen allele CA1078533.